The following is an entry in ClinVar:

NM_014008.5(CCDC22):c.1720A>G (p.Ile574Val)

Gene: CCDC22 (CCC complex scaffolding subunit CCDC22; plus strand). Cytogenetic location: Xp11.23.
Variant type: single nucleotide variant.
Coding change: c.1720A>G on transcript NM_014008.5 (MANE Select); coding-DNA position 1720, A replaced by G.
Protein change: p.Ile574Val; replaces isoleucine 574 with valine.
Molecular consequence: missense variant.
Genome position (GRCh38, 1-based): chrX:49,249,675, A>G. VCF-style: chrX-49249675-A-G. GRCh37 (hg19) VCF-style: chrX-49106136-A-G.
Other names: short protein forms I574V.
Identifiers: ClinVar variation 3359346 (VCV003359346.1).
Genomic context (GRCh38, chrX:49,249,675, plus strand): 5'-GACTGGGTGCAAGCCTTCTGCTCCTGTTGTCCCCAGAACTGCAGCCAGCTCATCCAGACC[A>G]TCGAGGACACAGGCACCATCATGCGGGAGGTTCGAGACCTCGAGGAGCAGGTGAGGCCTG-3'
Protein context (NP_054727.1, residues 564-584): HENCSQLIQT[Ile574Val]EDTGTIMREV

ClinVar aggregate classification (germline): Uncertain significance (1 of 4 stars; one submission).

Submission:

GeneDx
Classification: Uncertain significance. Last evaluated: 2023-05-26. Review status: criteria provided, single submitter. Criteria: GeneDx Variant Classification Process June 2021. Collection method: clinical testing. Allele origin: germline. Affected: yes.
Comment: Not observed at significant frequency in large population cohorts (gnomAD); In silico analysis supports that this missense variant does not alter protein structure/function; Has not been previously published as pathogenic or benign to our knowledge